The following is an entry in ClinVar:

ClinVar aggregate classification (germline): Uncertain significance (1 of 4 stars; one submission).

Conditions:
Chopra-Amiel-Gordon syndrome (CAGS). Also called: ANKRD17-Related Neurodevelopmental Syndrome. Identifiers: MedGen C5561975, MONDO:0859186, OMIM 619504.

Submission:

Juno Genomics, Hangzhou Juno Genomics, Inc
Classification: Uncertain significance for Chopra-Amiel-Gordon syndrome. Review status: criteria provided, single submitter. Criteria: ACMG Guidelines, 2015. Collection method: clinical testing. Allele origin: germline.
Comment: Absent from controls (or at extremely low frequency if recessive) in Genome Aggregation Database.;Missense variant in a gene that has a low rate of benign missense variation.;Multiple lines of computational evidence support a deleterious effect on the gene or gene product.

NM_032217.5(ANKRD17):c.1673C>A (p.Ala558Asp)

Gene: ANKRD17 (ankyrin repeat domain 17; minus strand). Cytogenetic location: 4q13.3.
Variant type: single nucleotide variant.
Coding change: c.1673C>A on transcript NM_032217.5 (MANE Select); coding-DNA position 1673, C replaced by A.
Protein change: p.Ala558Asp; replaces alanine 558 with aspartic acid.
Molecular consequence: missense variant.
Genome position (GRCh38, 1-based): chr4:73,147,327, G>T on the plus strand (C>A on the coding strand, the complement: ANKRD17 is on the minus strand). VCF-style: chr4-73147327-G-T. GRCh37 (hg19) VCF-style: chr4-74013044-G-T.
Other names: c.1334C>A, p.Ala445Asp (NM_001286771.3); c.1673C>A, p.Ala558Asp (NM_015574.2, NM_198889.3); short protein forms A558D, A445D.
Identifiers: ClinVar variation 5006792 (VCV005006792.2).